The following is an entry in ClinVar:

NM_013432.5(TONSL):c.3962C>T (p.Pro1321Leu)

Gene: TONSL (tonsoku like, DNA repair protein; minus strand). Cytogenetic location: 8q24.3.
Variant type: single nucleotide variant.
Coding change: c.3962C>T on transcript NM_013432.5 (MANE Select); coding-DNA position 3962, C replaced by T.
Protein change: p.Pro1321Leu; replaces proline 1321 with leucine.
Molecular consequence: missense variant.
Genome position (GRCh38, 1-based): chr8:144,429,318, G>A on the plus strand (C>T on the coding strand, the complement: TONSL is on the minus strand). VCF-style: chr8-144429318-G-A. GRCh37 (hg19) VCF-style: chr8-145654701-G-A.
Other names: short protein forms P1321L.
Identifiers: ClinVar variation 2905115 (VCV002905115.2), dbSNP rs1270635063, ClinGen allele CA372637923.
Genomic context (GRCh38, chr8:144,429,318, plus strand): 5'-CTGCACAGCTGCAGTTCCCGGAGCTGCGCGGCTATCTTGTCCCACAGGCCCAGGCCCAGG[G>A]GACCCTGGACGGCGCAGCCTGCGGAGGGGAAGAGGGCAGACCTCAGCGCTGCGGGGGCCG-3'
Protein context (NP_038460.4, residues 1311-1331): LGLSGCAVQG[Pro1321Leu]LGLGLWDKIA

ClinVar aggregate classification (germline): Uncertain significance (1 of 4 stars; one submission).

Allele frequency attached by ClinVar (database versions not stated): gnomAD 0.00001; gnomAD exomes 0.00001; TOPMed 0.00002.

Submission:

Labcorp Genetics (formerly Invitae), Labcorp
Classification: Uncertain significance. Last evaluated: 2023-02-16. Review status: criteria provided, single submitter. Criteria: Invitae Variant Classification Sherloc (09022015). Collection method: clinical testing. Allele origin: germline.
Comment: This sequence change replaces proline, which is neutral and non-polar, with leucine, which is neutral and non-polar, at codon 1321 of the TONSL protein (p.Pro1321Leu). In summary, the available evidence is currently insufficient to determine the role of this variant in disease. Therefore, it has been classified as a Variant of Uncertain Significance. Advanced modeling of protein sequence and biophysical properties (such as structural, functional, and spatial information, amino acid conservation, physicochemical variation, residue mobility, and thermodynamic stability) performed at Invitae indicates that this missense variant is expected to disrupt TONSL protein function. This variant has not been reported in the literature in individuals affected with TONSL-related conditions. The frequency data for this variant in the population databases is considered unreliable, as metrics indicate poor data quality at this position in the gnomAD database.